The following is an entry in ClinVar:

ClinVar aggregate classification (germline): Uncertain significance. Review status: criteria provided, multiple submitters, no conflicts (2 of 4 stars). 2 submissions from 2 submitters: Uncertain significance (2). Last evaluated 2025-06-25.

Conditions:
Inborn genetic diseases. Identifiers: MedGen C0950123, MeSH D030342.

Submissions (2):

Ambry Genetics
Classification: Uncertain significance for Inborn genetic diseases. Last evaluated: 2025-06-25. Review status: criteria provided, single submitter. Criteria: Ambry Variant Classification Scheme 2023. Collection method: clinical testing. Allele origin: germline.

Labcorp Genetics (formerly Invitae), Labcorp
Classification: Uncertain significance. Last evaluated: 2022-05-27. Review status: criteria provided, single submitter. Criteria: Invitae Variant Classification Sherloc (09022015). Collection method: clinical testing. Allele origin: germline.
Comment: This sequence change replaces leucine, which is neutral and non-polar, with phenylalanine, which is neutral and non-polar, at codon 656 of the LAMC3 protein (p.Leu656Phe). This variant is not present in population databases (gnomAD no frequency). This variant has not been reported in the literature in individuals affected with LAMC3-related conditions. Algorithms developed to predict the effect of missense changes on protein structure and function are either unavailable or do not agree on the potential impact of this missense change (SIFT: "Deleterious"; PolyPhen-2: "Probably Damaging"; Align-GVGD: "Class C15"). In summary, the available evidence is currently insufficient to determine the role of this variant in disease. Therefore, it has been classified as a Variant of Uncertain Significance.

NM_006059.4(LAMC3):c.1966C>T (p.Leu656Phe)

Gene: LAMC3 (laminin subunit gamma 3; plus strand). Cytogenetic location: 9q34.12.
Variant type: single nucleotide variant.
Coding change: c.1966C>T on transcript NM_006059.4 (MANE Select); coding-DNA position 1966, C replaced by T.
Protein change: p.Leu656Phe; replaces leucine 656 with phenylalanine.
Molecular consequence: missense variant.
Genome position (GRCh38, 1-based): chr9:131,056,955, C>T. VCF-style: chr9-131056955-C-T. GRCh37 (hg19) VCF-style: chr9-133932342-C-T.
Other names: c.1966C>T (NM_006059.3); short protein forms L656F.
Identifiers: ClinVar variation 2082077 (VCV002082077.5), dbSNP rs2538288617, ClinGen allele CA375265478.